The following is an entry in ClinVar:

NM_018896.5(CACNA1G):c.4084C>T (p.Leu1362=)

Gene: CACNA1G (calcium voltage-gated channel subunit alpha1 G; plus strand). Cytogenetic location: 17q21.33.
Variant type: single nucleotide variant.
Coding change: c.4084C>T on transcript NM_018896.5 (MANE Select); coding-DNA position 4084, C replaced by T.
Protein change: p.Leu1362=; no amino-acid change (leucine 1362 retained).
Molecular consequence: synonymous variant. On other transcripts: non-coding transcript variant (5).
Genome position (GRCh38, 1-based): chr17:50,603,114, C>T. VCF-style: chr17-50603114-C-T. GRCh37 (hg19) VCF-style: chr17-48680475-C-T.
Other names: p.Leu1362=; c.4084C>T, p.Leu1362= (NM_001256324.2, NM_001256325.2, NM_001256326.2 and 16 more transcripts); c.4015C>T, p.Leu1339= (NM_001256332.2, NM_198376.3, NM_198379.3 and 5 more transcripts).
Identifiers: ClinVar variation 712746 (VCV000712746.38), dbSNP rs374849749, ClinGen allele CA8652935.

ClinVar aggregate classification (germline): Benign/Likely benign. Review status: criteria provided, multiple submitters, no conflicts (2 of 4 stars). 6 submissions from 6 submitters: Benign (4); Likely benign (2). Last evaluated 2026-02-03.

Allele frequency attached by ClinVar (database versions not stated): ExAC 0.00139; gnomAD 0.00146 and 0.00149; gnomAD exomes 0.00151 and 0.00290; TOPMed 0.00164; ESP Exome Variant Server 0.00200.
gnomAD v4.1: 4,431 of 1,613,186 alleles (0.27%); highest among the groups gnomAD compares: Non-Finnish European, 0.34%; 6 homozygotes.

Submissions (6):

Labcorp Genetics (formerly Invitae), Labcorp
Classification: Benign. Last evaluated: 2026-02-03. Review status: criteria provided, single submitter. Criteria: Invitae Variant Classification Sherloc (09022015). Collection method: clinical testing. Allele origin: germline.

CeGaT Center for Human Genetics Tuebingen
Classification: Likely benign. Last evaluated: 2026-01-01. Review status: criteria provided, single submitter. Criteria: CeGaT Center For Human Genetics Tuebingen Variant Classification Criteria Version 2. Collection method: clinical testing. Allele origin: germline. Affected: yes. Observed: 14 variant alleles.
Comment: CACNA1G: BP4, BS1

Mayo Clinic Laboratories, Mayo Clinic
Classification: Benign. Last evaluated: 2024-12-30. Review status: criteria provided, single submitter. Criteria: ACMG Guidelines, 2015. Collection method: clinical testing. Allele origin: germline. Observed: 4 variant alleles.
Comment: BS1, BS2, BP4, BP7

Blueprint Genetics
Classification: Likely benign. Last evaluated: 2024-11-14. Review status: criteria provided, single submitter. Criteria: ACMG Guidelines, 2015. Collection method: clinical testing. Allele origin: germline.

GeneDx
Classification: Benign. Last evaluated: 2021-07-07. Review status: criteria provided, single submitter. Criteria: GeneDx Variant Classification Process June 2021. Collection method: clinical testing. Allele origin: germline. Affected: yes.

Breakthrough Genomics
Classification: Benign. Review status: criteria provided, single submitter. Criteria: ACMG Guidelines, 2015. Collection method: not provided. Allele origin: germline. Inheritance: Autosomal dominant inheritance. Affected: yes.